The following is an entry in ClinVar:

ClinVar aggregate classification (germline): Uncertain significance (1 of 4 stars; one submission).

Submission:

Labcorp Genetics (formerly Invitae), Labcorp
Classification: Uncertain significance. Last evaluated: 2021-07-25. Review status: criteria provided, single submitter. Criteria: Invitae Variant Classification Sherloc (09022015). Collection method: clinical testing. Allele origin: germline.
Comment: This variant is not present in population databases (ExAC no frequency). This sequence change replaces alanine with glutamic acid at codon 1348 of the CEP250 protein (p.Ala1348Glu). The alanine residue is moderately conserved and there is a moderate physicochemical difference between alanine and glutamic acid. This variant has not been reported in the literature in individuals affected with CEP250-related conditions. Algorithms developed to predict the effect of missense changes on protein structure and function are either unavailable or do not agree on the potential impact of this missense change (SIFT: "Not Available"; PolyPhen-2: "Possibly Damaging"; Align-GVGD: "Not Available"). In summary, the available evidence is currently insufficient to determine the role of this variant in disease. Therefore, it has been classified as a Variant of Uncertain Significance.

NM_007186.6(CEP250):c.4043C>A (p.Ala1348Glu)

Gene: CEP250 (centrosomal protein 250; plus strand). Cytogenetic location: 20q11.22.
Variant type: single nucleotide variant.
Coding change: c.4043C>A on transcript NM_007186.6 (MANE Select); coding-DNA position 4043, C replaced by A.
Protein change: p.Ala1348Glu; replaces alanine 1348 with glutamic acid.
Molecular consequence: missense variant.
Genome position (GRCh38, 1-based): chr20:35,502,412, C>A. VCF-style: chr20-35502412-C-A. GRCh37 (hg19) VCF-style: chr20-34090240-C-A.
Other names: c.2147C>A, p.Ala716Glu (NM_001318219.1); short protein forms A1348E, A716E.
Identifiers: ClinVar variation 1507473 (VCV001507473.8), dbSNP rs1464043042, ClinGen allele CA408746983.